The following is an entry in ClinVar:

ClinVar aggregate classification (germline): Uncertain significance. Review status: criteria provided, multiple submitters, no conflicts (2 of 4 stars). 3 submissions from 3 submitters: Uncertain significance (2). 1 of the submissions does not count toward it. Last evaluated 2025-07-24.

Conditions:
Autosomal dominant polycystic liver disease. Also called: Congenital cystic disease of liver; Polycystic liver disease. Identifiers: Orphanet 2924, MedGen C0158683, MONDO:0000447, HP:0006557.

Allele frequency attached by ClinVar (database versions not stated): 1000 Genomes Project 30x 0.00016; ExAC 0.00016; gnomAD exomes 0.00023 and 0.00069; gnomAD 0.00036 and 0.00038; ESP Exome Variant Server 0.00038; TOPMed 0.00039.
gnomAD v4.1: 1,036 of 1,614,078 alleles (0.064%); highest among the groups gnomAD compares: Non-Finnish European, 0.084%; 1 homozygote.

Submissions (3):

Labcorp Genetics (formerly Invitae), Labcorp
Classification: Uncertain significance. Last evaluated: 2025-07-24. Review status: criteria provided, single submitter. Criteria: Invitae Variant Classification Sherloc (09022015). Collection method: clinical testing. Allele origin: germline.
Comment: This sequence change replaces threonine, which is neutral and polar, with isoleucine, which is neutral and non-polar, at codon 1479 of the LRP6 protein (p.Thr1479Ile). This variant is present in population databases (rs144175121, gnomAD 0.04%), and has an allele count higher than expected for a pathogenic variant. This variant has not been reported in the literature in individuals affected with LRP6-related conditions. ClinVar contains an entry for this variant (Variation ID: 1255584). Invitae Evidence Modeling of protein sequence and biophysical properties (such as structural, functional, and spatial information, amino acid conservation, physicochemical variation, residue mobility, and thermodynamic stability) indicates that this missense variant is not expected to disrupt LRP6 protein function with a negative predictive value of 80%. In summary, the available evidence is currently insufficient to determine the role of this variant in disease. Therefore, it has been classified as a Variant of Uncertain Significance.

Mayo Clinic Laboratories, Mayo Clinic
Classification: Uncertain significance. Last evaluated: 2024-09-16. Review status: criteria provided, single submitter. Criteria: ACMG Guidelines, 2015. Collection method: clinical testing. Allele origin: germline. Observed: 1 variant allele.

Laboratory of Gastroenterology and Hepatology, Radboud University Medical Center
Classification: Uncertain significance for Autosomal dominant polycystic liver disease. Last evaluated: 2021-09-01. Review status: no assertion criteria provided. Collection method: research. Allele origin: germline. Affected: yes. Not counted in ClinVar's aggregate classification.

NM_002336.3(LRP6):c.4436C>T (p.Thr1479Ile)

Gene: LRP6 (LDL receptor related protein 6; minus strand). Cytogenetic location: 12p13.2.
Variant type: single nucleotide variant.
Coding change: c.4436C>T on transcript NM_002336.3 (MANE Select); coding-DNA position 4436, C replaced by T.
Protein change: p.Thr1479Ile; replaces threonine 1479 with isoleucine.
Molecular consequence: missense variant.
Genome position (GRCh38, 1-based): chr12:12,125,309, G>A on the plus strand (C>T on the coding strand, the complement: LRP6 is on the minus strand). VCF-style: chr12-12125309-G-A. GRCh37 (hg19) VCF-style: chr12-12278243-G-A.
Other names: p.Thr1479Ile; short protein forms T1479I.
Identifiers: ClinVar variation 1255584 (VCV001255584.10), dbSNP rs144175121, ClinGen allele CA6454961.